The following is an entry in ClinVar:

ClinVar aggregate classification (germline): Uncertain significance. Review status: criteria provided, multiple submitters, no conflicts (2 of 4 stars). 2 submissions from 2 submitters: Uncertain significance (2). Last evaluated 2025-06-26.

gnomAD v4.1: 1 of 1,613,900 alleles (0.000062%); highest among the groups gnomAD compares: African/African-American, 0.0013%; no homozygotes.

Submissions (2):

GeneDx
Classification: Uncertain significance. Last evaluated: 2025-06-26. Review status: criteria provided, single submitter. Criteria: GeneDx Variant Classification Process June 2021. Collection method: clinical testing. Allele origin: germline. Affected: yes.
Comment: In silico analysis supports that this missense variant has a deleterious effect on protein structure/function; Has not been previously published as pathogenic or benign to our knowledge

Labcorp Genetics (formerly Invitae), Labcorp
Classification: Uncertain significance. Last evaluated: 2024-06-08. Review status: criteria provided, single submitter. Criteria: Invitae Variant Classification Sherloc (09022015). Collection method: clinical testing. Allele origin: germline.
Comment: This sequence change replaces tyrosine, which is neutral and polar, with histidine, which is basic and polar, at codon 739 of the CYFIP2 protein (p.Tyr739His). This variant is present in population databases (rs781781815, gnomAD 0.007%). This variant has not been reported in the literature in individuals affected with CYFIP2-related conditions. Experimental studies and prediction algorithms are not available or were not evaluated, and the functional significance of this variant is currently unknown. In summary, the available evidence is currently insufficient to determine the role of this variant in disease. Therefore, it has been classified as a Variant of Uncertain Significance.

NM_001037333.3(CYFIP2):c.2215T>C (p.Tyr739His)

Gene: CYFIP2 (cytoplasmic FMR1 interacting protein 2; plus strand). Cytogenetic location: 5q33.3.
Variant type: single nucleotide variant.
Coding change: c.2215T>C on transcript NM_001037333.3 (MANE Select); coding-DNA position 2215, T replaced by C.
Protein change: p.Tyr739His; replaces tyrosine 739 with histidine.
Molecular consequence: missense variant.
Genome position (GRCh38, 1-based): chr5:157,330,800, T>C. VCF-style: chr5-157330800-T-C. GRCh37 (hg19) VCF-style: chr5-156757808-T-C.
Other names: c.2137T>C, p.Tyr713His (NM_001291721.2); c.2290T>C, p.Tyr764His (NM_001291722.2); c.2215T>C, p.Tyr739His (NM_014376.4); c.2215T>C (NM_001037333.2); short protein forms Y713H, Y739H, Y764H.
Identifiers: ClinVar variation 3705985 (VCV003705985.3).